The following is an entry in ClinVar:

ClinVar aggregate classification (germline): Uncertain significance. Review status: criteria provided, multiple submitters, no conflicts (2 of 4 stars). 2 submissions from 2 submitters: Uncertain significance (2). Last evaluated 2025-11-08.

Conditions:
Inborn genetic diseases. Identifiers: MedGen C0950123, MeSH D030342.

gnomAD v4.1: 13 of 1,613,522 alleles (0.00081%); highest among the groups gnomAD compares: Non-Finnish European, 0.0011%; no homozygotes.

Submissions (2):

Ambry Genetics
Classification: Uncertain significance for Inborn genetic diseases. Last evaluated: 2025-11-08. Review status: criteria provided, single submitter. Criteria: Ambry Variant Classification Scheme 2023. Collection method: clinical testing. Allele origin: germline.

CeGaT Center for Human Genetics Tuebingen
Classification: Uncertain significance. Last evaluated: 2025-06-01. Review status: criteria provided, single submitter. Criteria: CeGaT Center For Human Genetics Tuebingen Variant Classification Criteria Version 2. Collection method: clinical testing. Allele origin: germline. Affected: yes. Observed: 1 variant allele.
Comment: PAH: PM2, PP3

NM_000277.3(PAH):c.957A>C (p.Glu319Asp)

Gene: PAH (phenylalanine hydroxylase; minus strand). Cytogenetic location: 12q23.2.
Variant type: single nucleotide variant.
Coding change: c.957A>C on transcript NM_000277.3 (MANE Select); coding-DNA position 957, A replaced by C.
Protein change: p.Glu319Asp; replaces glutamic acid 319 with aspartic acid.
Molecular consequence: missense variant.
Genome position (GRCh38, 1-based): chr12:102,846,907, T>G on the plus strand (A>C on the coding strand, the complement: PAH is on the minus strand). VCF-style: chr12-102846907-T-G. GRCh37 (hg19) VCF-style: chr12-103240685-T-G.
Other names: c.957A>C, p.Glu319Asp (NM_001354304.2); c.957A>C (NM_000277.1); short protein forms E319D.
Identifiers: ClinVar variation 4084204 (VCV004084204.8).